The following is an entry in ClinVar:

ClinVar aggregate classification (germline): Pathogenic (1 of 4 stars; one submission).

Allele frequency attached by ClinVar (database versions not stated): gnomAD exomes below 0.00001.

Submission:

Labcorp Genetics (formerly Invitae), Labcorp
Classification: Pathogenic. Last evaluated: 2025-07-14. Review status: criteria provided, single submitter. Criteria: Invitae Variant Classification Sherloc (09022015). Collection method: clinical testing. Allele origin: germline.
Comment: This sequence change creates a premature translational stop signal (p.Gln6088Serfs*20) in the ADGRV1 gene. It is expected to result in an absent or disrupted protein product. Loss-of-function variants in ADGRV1 are known to be pathogenic (PMID: 19357117, 22135276, 22147658, 26226137, 30718709, 31047384, 32467589). This variant is present in population databases (no rsID available, gnomAD 0.003%). This premature translational stop signal has been observed in individual(s) with Usher syndrome (PMID: 23441107). ClinVar contains an entry for this variant (Variation ID: 2203663). For these reasons, this variant has been classified as Pathogenic.

Literature cited by the submitters: PubMed 19357117; PubMed 22135276; PubMed 22147658; PubMed 26226137; PubMed 30718709; PubMed 31047384; PubMed 32467589; PubMed 23441107.

NM_032119.4(ADGRV1):c.18261del (p.Gln6088fs)

Gene: ADGRV1 (adhesion G protein-coupled receptor V1; plus strand). Cytogenetic location: 5q14.3.
Variant type: Deletion.
Coding change: c.18261del on transcript NM_032119.4 (MANE Select); coding-DNA position 18261, one base deleted (A; older notation c.18261delA).
Protein change: p.Gln6088fs; shifts the reading frame from glutamine 6088.
Molecular consequence: frameshift variant. On other transcripts: non-coding transcript variant (1).
Genome position (GRCh38, 1-based): chr5:91,072,555, A deleted. VCF-style (leftmost placement, unchanged base first): chr5-91072554-CA-C. GRCh37 (hg19) VCF-style: chr5-90368371-CA-C.
Other names: short protein forms Q6088fs.
Identifiers: ClinVar variation 2203663 (VCV002203663.4), dbSNP rs1422367603, ClinGen allele CA561225029.